The following is an entry in ClinVar:

NM_000692.5(ALDH1B1):c.195T>C (p.Ile65=)

Gene: ALDH1B1 (aldehyde dehydrogenase 1 family member B1; plus strand). Cytogenetic location: 9p13.1.
Variant type: single nucleotide variant.
Coding change: c.195T>C on transcript NM_000692.5 (MANE Select); coding-DNA position 195, T replaced by C.
Protein change: p.Ile65=; no amino-acid change (isoleucine 65 retained).
Molecular consequence: synonymous variant.
Genome position (GRCh38, 1-based): chr9:38,395,943, T>C. VCF-style: chr9-38395943-T-C. GRCh37 (hg19) VCF-style: chr9-38395940-T-C.
Other names: p.I65I:ATT>ATC.
Identifiers: ClinVar variation 136360 (VCV000136360.2), dbSNP rs2228094, ClinGen allele CA289388.

ClinVar aggregate classification (germline): Benign. Review status: criteria provided, multiple submitters, no conflicts (2 of 4 stars). 2 submissions from 2 submitters: Benign (2). Last evaluated 2013-09-09.

Allele frequency attached by ClinVar (database versions not stated): ExAC 0.95416; TOPMed 0.92706; 1000 Genomes Project 0.93670; gnomAD exomes 0.95823 and 0.95705; gnomAD 0.92614 and 0.92954; 1000 Genomes Project 30x 0.93473; ESP Exome Variant Server 0.92081.
gnomAD v4.1: 1,541,815 of 1,613,730 alleles (96%); highest among the groups gnomAD compares: East Asian, 100%; 737,048 homozygotes.

Submissions (2):

GeneDx
Classification: Benign. Last evaluated: 2013-09-09. Review status: criteria provided, single submitter. Criteria: GeneDx Variant Classification (06012015). Collection method: clinical testing. Allele origin: germline. Affected: yes.
Comment: This variant is considered likely benign or benign based on one or more of the following criteria: it is a conservative change, it occurs at a poorly conserved position in the protein, it is predicted to be benign by multiple in silico algorithms, and/or has population frequency not consistent with disease.

Breakthrough Genomics
Classification: Benign. Review status: criteria provided, single submitter. Criteria: ACMG Guidelines, 2015. Collection method: not provided. Allele origin: germline. Inheritance: Unknown mechanism. Affected: yes.